The following is an entry in ClinVar:

NM_139058.3(ARX):c.453G>C (p.Ala151=)

Genes: ARX (aristaless related homeobox; minus strand), LOC109610631 (aristaless related homeobox polyalanine expansion region; plus strand). Cytogenetic location: Xp21.3.
Variant type: single nucleotide variant.
Coding change: c.453G>C on transcript NM_139058.3 (MANE Select); coding-DNA position 453, G replaced by C.
Protein change: p.Ala151=; no amino-acid change (alanine 151 retained).
Molecular consequence: synonymous variant.
Genome position (GRCh38, 1-based): chrX:25,013,542, C>G on the plus strand (G>C on the coding strand, the complement: ARX is on the minus strand). VCF-style: chrX-25013542-C-G. GRCh37 (hg19) VCF-style: chrX-25031659-C-G.
Identifiers: ClinVar variation 241850 (VCV000241850.11), dbSNP rs878855205, ClinGen allele CA10583941.

ClinVar aggregate classification (germline): Likely benign. Review status: criteria provided, multiple submitters, no conflicts (2 of 4 stars). 3 submissions from 3 submitters: Likely benign (3). Last evaluated 2026-01-14.

Conditions:
Intellectual disability, X-linked, with or without seizures, ARX-related. Also called: Mental retardation, X-linked 52; MENTAL RETARDATION, X-LINKED 29; MENTAL RETARDATION, X-LINKED 32; MENTAL RETARDATION, X-LINKED 33; MENTAL RETARDATION, X-LINKED 38; MENTAL RETARDATION, X-LINKED 43. Identifiers: Orphanet 777, MedGen C0796244, MONDO:0010317, OMIM 300419.
Developmental and epileptic encephalopathy, 1 (DEE1). Also called: Epileptic encephalopathy, early infantile, 1; X-linked infantile spasms; West's syndrome; Tonic spasms with clustering, arrest of psychomotor development and hypsarrhythmia on EEG; X-Linked Infantile Spasm Syndrome; OHTAHARA SYNDROME, X-LINKED. Identifiers: MedGen C3463992, MONDO:0010632, OMIM 308350. Disease mechanism: loss of function.

Allele frequency attached by ClinVar (database versions not stated): TOPMed 0.00001; gnomAD exomes 0.00021.
gnomAD v4.1: 140 of 789,126 alleles (0.018%); highest among the groups gnomAD compares: Non-Finnish European, 0.021%; no homozygotes.

Submissions (3):

Labcorp Genetics (formerly Invitae), Labcorp
Classification: Likely benign for Developmental and epileptic encephalopathy, 1; Intellectual disability, X-linked, with or without seizures, ARX-related. Last evaluated: 2026-01-14. Review status: criteria provided, single submitter. Criteria: Invitae Variant Classification Sherloc (09022015). Collection method: clinical testing. Allele origin: germline.

Blueprint Genetics
Classification: Likely benign. Last evaluated: 2023-04-19. Review status: criteria provided, single submitter. Criteria: ACMG Guidelines, 2015. Collection method: clinical testing. Allele origin: germline.

GeneDx
Classification: Likely benign. Last evaluated: 2018-02-22. Review status: criteria provided, single submitter. Criteria: GeneDx Variant Classification (06012015). Collection method: clinical testing. Allele origin: germline. Affected: yes.
Comment: This variant is considered likely benign or benign based on one or more of the following criteria: it is a conservative change, it occurs at a poorly conserved position in the protein, it is predicted to be benign by multiple in silico algorithms, and/or has population frequency not consistent with disease.